The following is an entry in ClinVar:

NM_001004334.4(GPR179):c.4018C>G (p.Pro1340Ala)

Gene: GPR179 (G protein-coupled receptor 179; minus strand). Cytogenetic location: 17q12.
Variant type: single nucleotide variant.
Coding change: c.4018C>G on transcript NM_001004334.4 (MANE Select); coding-DNA position 4018, C replaced by G.
Protein change: p.Pro1340Ala; replaces proline 1340 with alanine.
Molecular consequence: missense variant.
Genome position (GRCh38, 1-based): chr17:38,329,551, G>C on the plus strand (C>G on the coding strand, the complement: GPR179 is on the minus strand). VCF-style: chr17-38329551-G-C. GRCh37 (hg19) VCF-style: chr17-36485434-G-C.
Other names: short protein forms P1340A.
Identifiers: ClinVar variation 1921652 (VCV001921652.5), dbSNP rs768716998, ClinGen allele CA398877808.

ClinVar aggregate classification (germline): Uncertain significance (1 of 4 stars; one submission).

Allele frequency attached by ClinVar (database versions not stated): gnomAD 0.00001.
gnomAD v4.1: 7 of 1,613,868 alleles (0.00043%); highest among the groups gnomAD compares: Admixed American, 0.0033%; no homozygotes.

Submission:

Labcorp Genetics (formerly Invitae), Labcorp
Classification: Uncertain significance. Last evaluated: 2022-02-09. Review status: criteria provided, single submitter. Criteria: Invitae Variant Classification Sherloc (09022015). Collection method: clinical testing. Allele origin: germline.
Comment: This sequence change replaces proline, which is neutral and non-polar, with alanine, which is neutral and non-polar, at codon 1340 of the GPR179 protein (p.Pro1340Ala). This variant is present in population databases (no rsID available, gnomAD 0.003%). This variant has not been reported in the literature in individuals affected with GPR179-related conditions. Algorithms developed to predict the effect of missense changes on protein structure and function (SIFT, PolyPhen-2, Align-GVGD) all suggest that this variant is likely to be tolerated. In summary, the available evidence is currently insufficient to determine the role of this variant in disease. Therefore, it has been classified as a Variant of Uncertain Significance.